The following is an entry in ClinVar:

NM_001033044.4(GLUL):c.-14+958G>A

Gene: GLUL (glutamate-ammonia ligase; minus strand). Cytogenetic location: 1q25.3.
Variant type: single nucleotide variant.
Coding change: c.-14+958G>A on transcript NM_001033044.4 (MANE Select); 958 bases into the intron after 14 bases upstream of the start codon, G replaced by A.
Molecular consequence: intron variant. On other transcripts: 5 prime UTR variant (1).
Genome position (GRCh38, 1-based): chr1:182,390,721, C>T on the plus strand (G>A on the coding strand, the complement: GLUL is on the minus strand). VCF-style: chr1-182390721-C-T. GRCh37 (hg19) VCF-style: chr1-182359856-C-T.
Other names: c.-238G>A (NM_002065.7); c.-14+454G>A (NM_001033056.4).
Identifiers: ClinVar variation 293954 (VCV000293954.29), dbSNP rs549137282, ClinGen allele CA10608456.

ClinVar aggregate classification (germline): Conflicting classifications of pathogenicity. Review status: criteria provided, conflicting classifications (1 of 4 stars). 2 submissions from 2 submitters: Uncertain significance (1); Likely benign (1). Last evaluated 2022-06-01.

Conditions:
Congenital brain dysgenesis due to glutamine synthetase deficiency (GLND). Also called: GLUTAMINE SYNTHASE DEFICIENCY, CONGENITAL SYSTEMIC. Identifiers: Orphanet 71278, MedGen C1864910, MONDO:0012393, OMIM 610015.

Allele frequency attached by ClinVar (database versions not stated): gnomAD 0.00005 and 0.00006; TOPMed 0.00005; gnomAD exomes 0.00009; 1000 Genomes Project 0.00020; 1000 Genomes Project 30x 0.00031.
gnomAD v4.1: 33 of 399,086 alleles (0.0083%); highest among the groups gnomAD compares: Non-Finnish European, 0.011%; no homozygotes.

Submissions (2):

CeGaT Center for Human Genetics Tuebingen
Classification: Likely benign. Last evaluated: 2022-06-01. Review status: criteria provided, single submitter. Criteria: CeGaT Center For Human Genetics Tuebingen Variant Classification Criteria Version 2. Collection method: clinical testing. Allele origin: germline. Affected: yes. Observed: 1 variant allele.
Comment: GLUL: BP4, BP7

Illumina Laboratory Services, Illumina
Classification: Uncertain significance for Congenital brain dysgenesis due to glutamine synthetase deficiency. Last evaluated: 2018-01-12. Review status: criteria provided, single submitter. Criteria: ICSL Variant Classification Criteria 13 December 2019. Collection method: clinical testing. Allele origin: germline.